The following is an entry in ClinVar:

ClinVar aggregate classification (germline): Uncertain significance (1 of 4 stars; one submission).

Submission:

Ambry Genetics
Classification: Uncertain significance. Last evaluated: 2022-07-11. Review status: criteria provided, single submitter. Criteria: Ambry Variant Classification Scheme 2023. Collection method: clinical testing. Allele origin: germline.
Comment: The p.P503L variant (also known as c.1508C>T), located in coding exon 9 of the GALNT12 gene, results from a C to T substitution at nucleotide position 1508. The proline at codon 503 is replaced by leucine, an amino acid with similar properties. This amino acid position is conserved. In addition, the in silico prediction for this alteration is inconclusive. Since supporting evidence is limited at this time, the clinical significance of this alteration remains unclear.

NM_024642.5(GALNT12):c.1508C>T (p.Pro503Leu)

Gene: GALNT12 (polypeptide N-acetylgalactosaminyltransferase 12; plus strand). Cytogenetic location: 9q22.33.
Variant type: single nucleotide variant.
Coding change: c.1508C>T on transcript NM_024642.5 (MANE Select); coding-DNA position 1508, C replaced by T.
Protein change: p.Pro503Leu; replaces proline 503 with leucine.
Molecular consequence: missense variant.
Genome position (GRCh38, 1-based): chr9:98,846,026, C>T. VCF-style: chr9-98846026-C-T. GRCh37 (hg19) VCF-style: chr9-101608308-C-T.
Other names: short protein forms P503L.
Identifiers: ClinVar variation 1774122 (VCV001774122.2), dbSNP rs2118504858, ClinGen allele CA374221696.